The following is an entry in ClinVar:

ClinVar aggregate classification (germline): Likely benign (1 of 4 stars; one submission).

gnomAD v4.1: 67 of 1,578,126 alleles (0.0042%); highest among the groups gnomAD compares: Middle Eastern, 0.068%; no homozygotes.

Submission:

CeGaT Center for Human Genetics Tuebingen
Classification: Likely benign. Last evaluated: 2024-09-01. Review status: criteria provided, single submitter. Criteria: CeGaT Center For Human Genetics Tuebingen Variant Classification Criteria Version 2. Collection method: clinical testing. Allele origin: germline. Affected: yes. Observed: 1 variant allele.
Comment: NBEA: BP4, BP7

NM_001385012.1(NBEA):c.2847C>T (p.Val949=)

Gene: NBEA (neurobeachin; plus strand). Cytogenetic location: 13q13.3.
Variant type: single nucleotide variant.
Coding change: c.2847C>T on transcript NM_001385012.1 (MANE Select); coding-DNA position 2847, C replaced by T.
Protein change: p.Val949=; no amino-acid change (valine 949 retained).
Molecular consequence: synonymous variant.
Genome position (GRCh38, 1-based): chr13:35,159,018, C>T. VCF-style: chr13-35159018-C-T. GRCh37 (hg19) VCF-style: chr13-35733155-C-T.
Other names: c.2847C>T, p.Val949= (NM_001379245.1, NM_015678.5).
Identifiers: ClinVar variation 3388078 (VCV003388078.14).